The following is an entry in ClinVar:

ClinVar aggregate classification (germline): Pathogenic. Review status: criteria provided, multiple submitters, no conflicts (2 of 4 stars). 2 submissions from 2 submitters: Pathogenic (2). Last evaluated 2023-02-04.

Conditions:
Developmental and epileptic encephalopathy, 9 (DEE9). Also called: PCDH19-Related X-Linked Female-Limited Epilepsy with Mental Retardation; EPILEPSY, FEMALE-RESTRICTED, WITH MENTAL RETARDATION; JUBERG-HELLMAN SYNDROME; Early infantile epileptic encephalopathy 9. Identifiers: Orphanet 101039, Orphanet 2076, MedGen C1848137, MONDO:0010246, OMIM 300088. Disease mechanism: loss of function.

Submissions (2):

Labcorp Genetics (formerly Invitae), Labcorp
Classification: Pathogenic for Developmental and epileptic encephalopathy, 9. Last evaluated: 2023-02-04. Review status: criteria provided, single submitter. Criteria: Invitae Variant Classification Sherloc (09022015). Collection method: clinical testing. Allele origin: germline.
Comment: This sequence change creates a premature translational stop signal (p.Phe853Thrfs*10) in the PCDH19 gene. It is expected to result in an absent or disrupted protein product. Loss-of-function variants in PCDH19 are known to be pathogenic (PMID: 21053371). For these reasons, this variant has been classified as Pathogenic. ClinVar contains an entry for this variant (Variation ID: 870162). This premature translational stop signal has been observed in individual(s) with clinical features of PCDH19-related conditions (PMID: 32105270). This variant is not present in population databases (gnomAD no frequency).

Laboratory of Inherited Metabolic Diseases, Research centre for medical genetics
Classification: Pathogenic for Developmental and epileptic encephalopathy, 9. Last evaluated: 2020-02-14. Review status: criteria provided, single submitter. Criteria: ACMG Guidelines, 2015. Collection method: clinical testing. Allele origin: unknown. Inheritance: Sex-limited autosomal dominant. Affected: yes.

Literature cited by the submitters: PubMed 21053371 (cited by Labcorp Genetics (formerly Invitae), Labcorp); PubMed 32105270 (cited by Labcorp Genetics (formerly Invitae), Labcorp).

NM_001184880.2(PCDH19):c.2556_2559del (p.Phe853fs)

Genes: PCDH19 (protocadherin 19; minus strand), LOC125467768 (CDK7 strongly-dependent group 2 enhancer GRCh37_chrX:99657381-99658580; plus strand). Cytogenetic location: Xq22.1.
Variant type: Deletion.
Coding change: c.2556_2559del on transcript NM_001184880.2 (MANE Select); coding-DNA positions 2556 to 2559, 4 bases deleted (TTTC; older notation c.2556_2559delTTTC).
Protein change: p.Phe853fs; shifts the reading frame from phenylalanine 853.
Molecular consequence: frameshift variant.
Genome position (GRCh38, 1-based): chrX:100,402,581-100,402,584, GAAA deleted on the plus strand (TTTC on the coding strand, the reverse complement: PCDH19 is on the minus strand); deleting any 4 consecutive bases within chrX:100,402,581-100,402,586 gives the same sequence; the c. name uses the placement nearest the transcript's 3' end. VCF-style (leftmost placement, unchanged base first): chrX-100402580-TGAAA-T. GRCh37 (hg19) VCF-style: chrX-99657578-TGAAA-T.
Other names: c.2415_2418del, p.Phe806fs (NM_001105243.2, NM_020766.3); short protein forms F853fs, F806fs.
Identifiers: ClinVar variation 870162 (VCV000870162.4), dbSNP rs1928217378, ClinGen allele CA916083987.